The following is an entry in ClinVar:

NM_001166114.2(PNPLA6):c.401A>C (p.Asn134Thr)

Gene: PNPLA6 (patatin like domain 6, lysophospholipase; plus strand). Cytogenetic location: 19p13.2.
Variant type: single nucleotide variant.
Coding change: c.401A>C on transcript NM_001166114.2 (MANE Select); coding-DNA position 401, A replaced by C.
Protein change: p.Asn134Thr; replaces asparagine 134 with threonine.
Molecular consequence: missense variant.
Genome position (GRCh38, 1-based): chr19:7,536,534, A>C. VCF-style: chr19-7536534-A-C. GRCh37 (hg19) VCF-style: chr19-7601420-A-C.
Other names: c.428A>C, p.Asn143Thr (NM_001166111.2); c.284A>C, p.Asn95Thr (NM_001166112.2, NM_001166113.1, NM_006702.5); short protein forms N95T, N143T, N134T.
Identifiers: ClinVar variation 1517236 (VCV001517236.8), dbSNP rs2022879793, ClinGen allele CA403099179.

ClinVar aggregate classification (germline): Uncertain significance (1 of 4 stars; one submission).

Conditions:
Hereditary spastic paraplegia 39 (SPG39). Also called: Spastic Paraplegia Type 39 (SPG39); SPASTIC PARAPLEGIA 39, AUTOSOMAL RECESSIVE. Identifiers: Orphanet 139480, MedGen C2677586, MONDO:0012787, OMIM 612020.

Submission:

Labcorp Genetics (formerly Invitae), Labcorp
Classification: Uncertain significance for Hereditary spastic paraplegia 39. Last evaluated: 2022-07-06. Review status: criteria provided, single submitter. Criteria: Invitae Variant Classification Sherloc (09022015). Collection method: clinical testing. Allele origin: germline.
Comment: In summary, the available evidence is currently insufficient to determine the role of this variant in disease. Therefore, it has been classified as a Variant of Uncertain Significance. Algorithms developed to predict the effect of missense changes on protein structure and function are either unavailable or do not agree on the potential impact of this missense change (SIFT: "Tolerated"; PolyPhen-2: "Probably Damaging"; Align-GVGD: "Class C0"). ClinVar contains an entry for this variant (Variation ID: 1517236). This variant has not been reported in the literature in individuals affected with PNPLA6-related conditions. This variant is not present in population databases (gnomAD no frequency). This sequence change replaces asparagine, which is neutral and polar, with threonine, which is neutral and polar, at codon 95 of the PNPLA6 protein (p.Asn95Thr).